The following is an entry in ClinVar:

ClinVar aggregate classification (germline): Uncertain significance (1 of 4 stars; one submission).

gnomAD v4.1: 4 of 1,613,446 alleles (0.00025%); highest among the groups gnomAD compares: Non-Finnish European, 0.00034%; no homozygotes.

Submission:

CeGaT Center for Human Genetics Tuebingen
Classification: Uncertain significance. Last evaluated: 2026-06-01. Review status: criteria provided, single submitter. Criteria: CeGaT Center For Human Genetics Tuebingen Variant Classification Criteria Version 2. Collection method: clinical testing. Allele origin: germline. Affected: yes. Observed: 1 variant allele.
Comment: PLEKHG5: PM2, BP4

NM_020631.6(PLEKHG5):c.169C>G (p.Leu57Val)

Gene: PLEKHG5 (pleckstrin homology and RhoGEF domain containing G5; minus strand). Cytogenetic location: 1p36.31.
Variant type: single nucleotide variant.
Coding change: c.169C>G on transcript NM_020631.6 (MANE Select); coding-DNA position 169, C replaced by G.
Protein change: p.Leu57Val; replaces leucine 57 with valine.
Molecular consequence: missense variant.
Genome position (GRCh38, 1-based): chr1:6,475,503, G>C on the plus strand (C>G on the coding strand, the complement: PLEKHG5 is on the minus strand). VCF-style: chr1-6475503-G-C. GRCh37 (hg19) VCF-style: chr1-6535563-G-C.
Other names: c.280C>G, p.Leu94Val (NM_001042663.3, NM_001265592.2); c.169C>G, p.Leu57Val (NM_001042664.2, NM_001042665.2, NM_001265594.3 and 1 more transcripts); c.376C>G, p.Leu126Val (NM_001265593.2); short protein forms L126V, L57V, L94V.
Identifiers: ClinVar variation 4872545 (VCV004872545.2).